The following is an entry in ClinVar:

NM_020436.5(SALL4):c.986G>A (p.Arg329His)

Gene: SALL4 (spalt like transcription factor 4; minus strand). Cytogenetic location: 20q13.2.
Variant type: single nucleotide variant.
Coding change: c.986G>A on transcript NM_020436.5 (MANE Select); coding-DNA position 986, G replaced by A.
Protein change: p.Arg329His; replaces arginine 329 with histidine.
Molecular consequence: missense variant.
Genome position (GRCh38, 1-based): chr20:51,791,497, C>T on the plus strand (G>A on the coding strand, the complement: SALL4 is on the minus strand). VCF-style: chr20-51791497-C-T. GRCh37 (hg19) VCF-style: chr20-50408036-C-T.
Other names: c.986G>A, p.Arg329His (NM_001318031.2); short protein forms R329H.
Identifiers: ClinVar variation 3016766 (VCV003016766.4), dbSNP rs376519013, ClinGen allele CA9912363.

ClinVar aggregate classification (germline): Uncertain significance. Review status: criteria provided, multiple submitters, no conflicts (2 of 4 stars). 2 submissions from 2 submitters: Uncertain significance (2). Last evaluated 2025-03-05.

Conditions:
Duane-radial ray syndrome (DRRS). Also called: ACRORENOOCULAR SYNDROME; DR SYNDROME; DUANE ANOMALY WITH RADIAL RAY ABNORMALITIES AND DEAFNESS; Okihiro Syndrome; Duane-Radial Ray Syndrome (DRRS) / Okihiro Syndrome; Duane-Radial Ray Syndrome/Okihiro Syndrome. Identifiers: Orphanet 93293, Orphanet 959, MedGen C1623209, MONDO:0011812, OMIM 607323. Disease mechanism: gain of function.
Oculootoradial syndrome (IVIC). Also called: IVIC syndrome; RADIAL RAY DEFECTS, HEARING IMPAIRMENT, EXTERNAL OPHTHALMOPLEGIA, AND THROMBOCYTOPENIA. Identifiers: Orphanet 2307, MedGen C1327918, MONDO:0007836, OMIM 147750.

Allele frequency attached by ClinVar (database versions not stated): ExAC 0.00011; gnomAD 0.00011; ESP Exome Variant Server 0.00015; TOPMed 0.00016; gnomAD exomes 0.00030.
gnomAD v4.1: 455 of 1,613,884 alleles (0.028%); highest among the groups gnomAD compares: Non-Finnish European, 0.035%; no homozygotes.

Submissions (2):

Labcorp Genetics (formerly Invitae), Labcorp
Classification: Uncertain significance for Duane-radial ray syndrome. Last evaluated: 2025-03-05. Review status: criteria provided, single submitter. Criteria: Invitae Variant Classification Sherloc (09022015). Collection method: clinical testing. Allele origin: germline.
Comment: This sequence change replaces arginine, which is basic and polar, with histidine, which is basic and polar, at codon 329 of the SALL4 protein (p.Arg329His). This variant is present in population databases (rs376519013, gnomAD 0.03%). This variant has not been reported in the literature in individuals affected with SALL4-related conditions. ClinVar contains an entry for this variant (Variation ID: 3016766). An algorithm developed to predict the effect of missense changes on protein structure and function (PolyPhen-2) suggests that this variant is likely to be disruptive. In summary, the available evidence is currently insufficient to determine the role of this variant in disease. Therefore, it has been classified as a Variant of Uncertain Significance.

Fulgent Genetics
Classification: Uncertain significance for Oculootoradial syndrome; Duane-radial ray syndrome. Last evaluated: 2023-12-29. Review status: criteria provided, single submitter. Criteria: ACMG Guidelines, 2015. Collection method: clinical testing. Allele origin: germline.